The following is an entry in ClinVar:

NM_000481.4(AMT):c.1136A>C (p.Glu379Ala)

Gene: AMT (aminomethyltransferase; minus strand). Cytogenetic location: 3p21.31.
Variant type: single nucleotide variant.
Coding change: c.1136A>C on transcript NM_000481.4 (MANE Select); coding-DNA position 1136, A replaced by C.
Protein change: p.Glu379Ala; replaces glutamic acid 379 with alanine.
Molecular consequence: missense variant. On other transcripts: non-coding transcript variant (1).
Genome position (GRCh38, 1-based): chr3:49,417,616, T>G on the plus strand (A>C on the coding strand, the complement: AMT is on the minus strand). VCF-style: chr3-49417616-T-G. GRCh37 (hg19) VCF-style: chr3-49455049-T-G.
Other names: c.1004A>C, p.Glu335Ala (NM_001164710.2); c.968A>C, p.Glu323Ala (NM_001164711.2); c.1136A>C, p.Glu379Ala (NM_001164712.2); short protein forms E335A, E323A, E379A.
Identifiers: ClinVar variation 900804 (VCV000900804.12), dbSNP rs201189946, ClinGen allele CA2398138.
Genomic context (GRCh38, chr3:49,417,616, plus strand): 5'-TAGTTTGTGGGCACAAAGGGCATCTTGCTGACTACAGCCATCTGCTGCTTCCGCCGCACC[T>G]CTACCAGCAGCATTGTCCCTGGACGACTGTACTCGCAGGGCACATAACCCATCGCCACAT-3'
Protein context (NP_000472.2, residues 369-389): YSRPGTMLLV[Glu379Ala]VRRKQQMAVV

ClinVar aggregate classification (germline): Uncertain significance. Review status: criteria provided, multiple submitters, no conflicts (2 of 4 stars). 6 submissions from 6 submitters: Uncertain significance (5). 1 of the submissions does not count toward it. Last evaluated 2025-09-08.

Conditions:
Inborn genetic diseases. Identifiers: MedGen C0950123, MeSH D030342.
Glycine encephalopathy. Also called: Nonketotic hyperglycinemia; Non-ketotic hyperglycinemia. Identifiers: Orphanet 407, MedGen C0751748, MONDO:0011612, HP:0008288.

Allele frequency attached by ClinVar (database versions not stated): gnomAD exomes 0.00016; gnomAD 0.00017 and 0.00018; TOPMed 0.00019; ExAC 0.00020; ESP Exome Variant Server 0.00031.
gnomAD v4.1: 441 of 1,614,024 alleles (0.027%); highest among the groups gnomAD compares: Non-Finnish European, 0.035%; no homozygotes.

Submissions (7):

Ambry Genetics
Classification: Uncertain significance for Inborn genetic diseases. Last evaluated: 2025-09-08. Review status: criteria provided, single submitter. Criteria: Ambry Variant Classification Scheme 2023. Collection method: clinical testing. Allele origin: germline.

Blueprint Genetics
Classification: Uncertain significance. Last evaluated: 2024-10-28. Review status: criteria provided, single submitter. Criteria: ACMG Guidelines, 2015. Collection method: clinical testing. Allele origin: germline.

Labcorp Genetics (formerly Invitae), Labcorp
Classification: Uncertain significance for Glycine encephalopathy. Last evaluated: 2022-09-29. Review status: criteria provided, single submitter. Criteria: Invitae Variant Classification Sherloc (09022015). Collection method: clinical testing. Allele origin: germline.
Comment: This sequence change replaces glutamic acid, which is acidic and polar, with alanine, which is neutral and non-polar, at codon 379 of the AMT protein (p.Glu379Ala). This variant is present in population databases (rs201189946, gnomAD 0.03%). This variant has not been reported in the literature in individuals affected with AMT-related conditions. ClinVar contains an entry for this variant (Variation ID: 900804). Advanced modeling of protein sequence and biophysical properties (such as structural, functional, and spatial information, amino acid conservation, physicochemical variation, residue mobility, and thermodynamic stability) has been performed at Invitae for this missense variant, however the output from this modeling did not meet the statistical confidence thresholds required to predict the impact of this variant on AMT protein function. In summary, the available evidence is currently insufficient to determine the role of this variant in disease. Therefore, it has been classified as a Variant of Uncertain Significance.

Illumina Laboratory Services, Illumina
Classification: Uncertain significance for Glycine encephalopathy 1. Last evaluated: 2018-01-13. Review status: criteria provided, single submitter. Criteria: ICSL Variant Classification Criteria 13 December 2019. Collection method: clinical testing. Allele origin: germline.

Breakthrough Genomics
Classification: Uncertain significance. Review status: criteria provided, single submitter. Criteria: ACMG Guidelines, 2015. Collection method: not provided. Allele origin: germline. Inheritance: Autosomal recessive inheritance. Affected: yes.

Department of Pathology and Laboratory Medicine, Sinai Health System
Classification: Uncertain significance. Review status: no assertion criteria provided. Collection method: clinical testing. Allele origin: unknown. Affected: yes. Study: The Canadian Open Genetics Repository (COGR). Not counted in ClinVar's aggregate classification.
Comment: The AMT p.Glu379Ala variant was not identified in the literature nor was it identified in ClinVar. The variant was identified in dbSNP (ID: rs201189946) and in control databases in 49 of 282862 chromosomes at a frequency of 0.0001732 (Genome Aggregation Database March 6, 2019, v2.1.1). The variant was observed in the following populations: Other in 5 of 7228 chromosomes (freq: 0.000692), European (non-Finnish) in 39 of 129178 chromosomes (freq: 0.000302), European (Finnish) in 4 of 25120 chromosomes (freq: 0.000159) and Latino in 1 of 35440 chromosomes (freq: 0.000028), but was not observed in the African, Ashkenazi Jewish, East Asian, or South Asian populations. The p.Glu379 residue is conserved in mammals and computational analyses (PolyPhen-2, SIFT, AlignGVGD, BLOSUM, MutationTaster) provide inconsistent predictions regarding the impact to the protein; this information is not very predictive of pathogenicity. The variant occurs outside of the splicing consensus sequence and 2 of 4 in silico or computational prediction software programs (SpliceSiteFinder, MaxEntScan, NNSPLICE, GeneSplicer) predict a greater than 10% difference in splicing; this is not very predictive of pathogenicity. In summary, based on the above information the clinical significance of this variant cannot be determined with certainty at this time. This variant is classified as a variant of uncertain significance.

Dr. Peter K. Rogan Lab, Western University
No classification provided (evidence only). Condition: Malignant tumor of esophagus. Review status: no classification provided. Collection method: in vitro. Allele origin: not applicable. Functional consequence: skipped exon, retained intron. Not counted in ClinVar's aggregate classification.